The following is an entry in ClinVar:

ClinVar aggregate classification (germline): Uncertain significance (1 of 4 stars; one submission).

Submission:

GeneDx
Classification: Uncertain significance. Last evaluated: 2022-05-20. Review status: criteria provided, single submitter. Criteria: GeneDx Variant Classification Process June 2021. Collection method: clinical testing. Allele origin: germline. Affected: yes.
Comment: Not observed at significant frequency in large population cohorts (gnomAD); In silico analysis supports that this missense variant has a deleterious effect on protein structure/function; Has not been previously published as pathogenic or benign to our knowledge

NM_001846.4(COL4A2):c.217G>C (p.Gly73Arg)

Gene: COL4A2 (collagen type IV alpha 2 chain; plus strand). Cytogenetic location: 13q34.
Variant type: single nucleotide variant.
Coding change: c.217G>C on transcript NM_001846.4 (MANE Select); coding-DNA position 217, G replaced by C.
Protein change: p.Gly73Arg; replaces glycine 73 with arginine.
Molecular consequence: missense variant.
Genome position (GRCh38, 1-based): chr13:110,424,770, G>C. VCF-style: chr13-110424770-G-C. GRCh37 (hg19) VCF-style: chr13-111077117-G-C.
Other names: short protein forms G73R.
Identifiers: ClinVar variation 1800656 (VCV001800656.1), dbSNP rs2502050405, ClinGen allele CA388727938.